The following is an entry in ClinVar:

NM_002047.4(GARS1):c.163A>G (p.Met55Val)

Gene: GARS1 (glycyl-tRNA synthetase 1; plus strand). Cytogenetic location: 7p14.3.
Variant type: single nucleotide variant.
Coding change: c.163A>G on transcript NM_002047.4 (MANE Select); coding-DNA position 163, A replaced by G.
Protein change: p.Met55Val; replaces methionine 55 with valine.
Molecular consequence: missense variant. On other transcripts: initiator codon variant (1).
Genome position (GRCh38, 1-based): chr7:30,595,084, A>G. VCF-style: chr7-30595084-A-G. GRCh37 (hg19) VCF-style: chr7-30634700-A-G.
Other names: c.163A>G (LRG_243t1, NM_002047.3); c.1A>G, p.Met1Val (NM_001316772.1); short protein forms M55V, M1V.
Identifiers: ClinVar variation 450741 (VCV000450741.12), dbSNP rs900324585, ClinGen allele CA156096434.
Genomic context (GRCh38, chr7:30,595,084, plus strand): 5'-TCCCTCAGCGCGGCCTCCTGCCCCCCGATCTCCTTGCCCGCCGCCGCCTCCCGGAGCAGC[A>G]TGGACGGCGCGGGGGCTGAGGAGGTGCTGGCACCTCTGAGGCTAGCAGTGCGCCAGCAGG-3'
Protein context (NP_002038.2, residues 45-65): SLPAAASRSS[Met55Val]DGAGAEEVLA

ClinVar aggregate classification (germline): Uncertain significance. Review status: criteria provided, multiple submitters, no conflicts (2 of 4 stars). 3 submissions from 3 submitters: Uncertain significance (3). Last evaluated 2026-09-10.

Conditions:
GARS1-related disorder. Also called: GARS1-related condition.
Charcot-Marie-Tooth disease type 2. Also called: Charcot-Marie-Tooth type 2. Identifiers: Orphanet 64746, MedGen C0270914, MONDO:0018993.

Allele frequency attached by ClinVar (database versions not stated): gnomAD exomes 0.00001; TOPMed 0.00002; gnomAD 0.00003.
gnomAD v4.1: 12 of 1,546,360 alleles (0.00078%); highest among the groups gnomAD compares: Non-Finnish European, 0.001%; no homozygotes.

Submissions (3):

PreventionGenetics, part of Exact Sciences
Classification: Uncertain significance for GARS1-related condition. Last evaluated: 2026-09-10. Review status: criteria provided, single submitter. Criteria: ACMG Guidelines, 2015. Collection method: clinical testing. Allele origin: germline.
Comment: The GARS1 c.163A>G variant is predicted to result in the amino acid substitution p.Met55Val. To our knowledge, this variant has not been reported in the literature. This variant is reported in 0.0016% of alleles in individuals of European (Non-Finnish) descent in gnomAD. At this time, the clinical significance of this variant is uncertain due to the absence of conclusive functional and genetic evidence.

Labcorp Genetics (formerly Invitae), Labcorp
Classification: Uncertain significance for Charcot-Marie-Tooth disease type 2. Last evaluated: 2026-01-21. Review status: criteria provided, single submitter. Criteria: Invitae Variant Classification Sherloc (09022015). Collection method: clinical testing. Allele origin: germline.
Comment: This sequence change replaces methionine, which is neutral and non-polar, with valine, which is neutral and non-polar, at codon 55 of the GARS protein (p.Met55Val). The frequency data for this variant in the population databases is considered unreliable, as metrics indicate poor data quality at this position in the gnomAD database. This missense change has been observed in individual(s) with clinical features of GARS-related conditions (internal data). ClinVar contains an entry for this variant (Variation ID: 450741). Invitae Evidence Modeling of protein sequence and biophysical properties (such as structural, functional, and spatial information, amino acid conservation, physicochemical variation, residue mobility, and thermodynamic stability) indicates that this missense variant is not expected to disrupt GARS protein function with a negative predictive value of 80%. In summary, the available evidence is currently insufficient to determine the role of this variant in disease. Therefore, it has been classified as a Variant of Uncertain Significance.

GeneDx
Classification: Uncertain significance. Last evaluated: 2017-07-25. Review status: criteria provided, single submitter. Criteria: GeneDx Variant Classification (06012015). Collection method: clinical testing. Allele origin: germline. Affected: yes.
Comment: The M55V variant in the GARS gene has not been reported previously as a pathogenic variant, nor as a benign variant, to our knowledge. This variant is not observed in large population cohorts (Lek et al., 2016; 1000 Genomes Consortium et al., 2015; Exome Variant Server). The M55V variant is a conservative amino acid substitution, which is not likely to impact secondary protein structure as these residues share similar properties. This substitution occurs at a position that is conserved across species. In silico analysis is inconsistent in its predictions as to whether or not the variant is damaging to the protein structure/function. Based on currently available evidence, we interpret M55V as a variant of uncertain significance.